The following is an entry in ClinVar:

NM_019066.5(MAGEL2):c.1787T>C (p.Val596Ala)

Gene: MAGEL2 (MAGE family member L2; minus strand). Cytogenetic location: 15q11.2.
Variant type: single nucleotide variant.
Coding change: c.1787T>C on transcript NM_019066.5 (MANE Select); coding-DNA position 1787, T replaced by C.
Protein change: p.Val596Ala; replaces valine 596 with alanine.
Molecular consequence: missense variant.
Genome position (GRCh38, 1-based): chr15:23,645,956, A>G on the plus strand (T>C on the coding strand, the complement: MAGEL2 is on the minus strand). VCF-style: chr15-23645956-A-G. GRCh37 (hg19) VCF-style: chr15-23891103-A-G.
Other names: c.1787T>C (NM_019066.4); short protein forms V596A.
Identifiers: ClinVar variation 2905815 (VCV002905815.4), dbSNP rs765625076, ClinGen allele CA7430022.

ClinVar aggregate classification (germline): Conflicting classifications of pathogenicity. Review status: criteria provided, conflicting classifications (1 of 4 stars). 2 submissions from 2 submitters: Uncertain significance (1); Likely benign (1). Last evaluated 2024-05-13.

Conditions:
Inborn genetic diseases. Identifiers: MedGen C0950123, MeSH D030342.

Allele frequency attached by ClinVar (database versions not stated): TOPMed 0.00001; gnomAD exomes 0.00004; ExAC 0.00015.

Submissions (2):

Ambry Genetics
Classification: Likely benign for Inborn genetic diseases. Last evaluated: 2024-05-13. Review status: criteria provided, single submitter. Criteria: Ambry Variant Classification Scheme 2023. Collection method: clinical testing. Allele origin: germline.

Labcorp Genetics (formerly Invitae), Labcorp
Classification: Uncertain significance. Last evaluated: 2023-03-01. Review status: criteria provided, single submitter. Criteria: Invitae Variant Classification Sherloc (09022015). Collection method: clinical testing. Allele origin: germline.
Comment: This sequence change replaces valine, which is neutral and non-polar, with alanine, which is neutral and non-polar, at codon 596 of the MAGEL2 protein (p.Val596Ala). This variant is present in population databases (rs765625076, gnomAD 0.04%), and has an allele count higher than expected for a pathogenic variant. This variant has not been reported in the literature in individuals affected with MAGEL2-related conditions. Algorithms developed to predict the effect of missense changes on protein structure and function output the following: SIFT: "Not Available"; PolyPhen-2: "Not Available"; Align-GVGD: "Not Available". The alanine amino acid residue is found in multiple mammalian species, which suggests that this missense change does not adversely affect protein function. In summary, the available evidence is currently insufficient to determine the role of this variant in disease. Therefore, it has been classified as a Variant of Uncertain Significance.